The following is an entry in ClinVar:

ClinVar aggregate classification (germline): Uncertain significance (1 of 4 stars; one submission).

gnomAD v4.1: 26 of 1,609,944 alleles (0.0016%); highest among the groups gnomAD compares: East Asian, 0.0022%; no homozygotes.

Submission:

Labcorp Genetics (formerly Invitae), Labcorp
Classification: Uncertain significance. Last evaluated: 2024-06-03. Review status: criteria provided, single submitter. Criteria: Invitae Variant Classification Sherloc (09022015). Collection method: clinical testing. Allele origin: germline.
Comment: This sequence change replaces arginine, which is basic and polar, with tryptophan, which is neutral and slightly polar, at codon 337 of the KANK2 protein (p.Arg337Trp). This variant is present in population databases (rs767909382, gnomAD 0.04%). This variant has not been reported in the literature in individuals affected with KANK2-related conditions. An algorithm developed to predict the effect of missense changes on protein structure and function (PolyPhen-2) suggests that this variant is likely to be disruptive. In summary, the available evidence is currently insufficient to determine the role of this variant in disease. Therefore, it has been classified as a Variant of Uncertain Significance.

NM_001136191.3(KANK2):c.1009C>T (p.Arg337Trp)

Gene: KANK2 (KN motif and ankyrin repeat domains 2; minus strand). Cytogenetic location: 19p13.2.
Variant type: single nucleotide variant.
Coding change: c.1009C>T on transcript NM_001136191.3 (MANE Select); coding-DNA position 1009, C replaced by T.
Protein change: p.Arg337Trp; replaces arginine 337 with tryptophan.
Molecular consequence: missense variant.
Genome position (GRCh38, 1-based): chr19:11,193,071, G>A on the plus strand (C>T on the coding strand, the complement: KANK2 is on the minus strand). VCF-style: chr19-11193071-G-A. GRCh37 (hg19) VCF-style: chr19-11303747-G-A.
Other names: c.1009C>T, p.Arg337Trp (NM_001379556.1, NM_001379557.1, NM_001379558.1 and 15 more transcripts); short protein forms R337W.
Identifiers: ClinVar variation 3682247 (VCV003682247.2).